The following is an entry in ClinVar:

ClinVar aggregate classification (germline): Conflicting classifications of pathogenicity. Review status: criteria provided, conflicting classifications (1 of 4 stars). 2 submissions from 2 submitters: Likely pathogenic (1); Uncertain significance (1). Last evaluated 2025-10-09.

gnomAD v4.1: 2 of 1,613,598 alleles (0.00012%); highest among the groups gnomAD compares: Admixed American, 0.0017%; no homozygotes.

Submissions (2):

Labcorp Genetics (formerly Invitae), Labcorp
Classification: Likely pathogenic. Last evaluated: 2025-10-09. Review status: criteria provided, single submitter. Criteria: Invitae Variant Classification Sherloc (09022015). Collection method: clinical testing. Allele origin: germline.
Comment: This sequence change affects an acceptor splice site in intron 17 of the LZTR1 gene. It is expected to disrupt RNA splicing. Variants that disrupt the donor or acceptor splice site typically lead to a loss of protein function (PMID: 16199547), and loss-of-function variants in LZTR1 are known to be pathogenic (PMID: 24362817, 25335493, 25480913, 25795793, 29469822, 30368668, 30442762, 30442766, 30481304, 30859559). This variant is not present in population databases (gnomAD no frequency). This variant has not been reported in the literature in individuals affected with LZTR1-related conditions. ClinVar contains an entry for this variant (Variation ID: 3666540). Algorithms developed to predict the effect of sequence changes on RNA splicing suggest that this variant may disrupt the consensus splice site. In summary, the currently available evidence indicates that the variant is pathogenic, but additional data are needed to prove that conclusively. Therefore, this variant has been classified as Likely Pathogenic.

Blueprint Genetics
Classification: Uncertain significance. Last evaluated: 2023-10-19. Review status: criteria provided, single submitter. Criteria: ACMG Guidelines, 2015. Collection method: clinical testing. Allele origin: germline.

Literature cited by the submitters: PubMed 16199547 (cited by Labcorp Genetics (formerly Invitae), Labcorp); PubMed 24362817 (cited by Labcorp Genetics (formerly Invitae), Labcorp); PubMed 25335493 (cited by Labcorp Genetics (formerly Invitae), Labcorp); PubMed 25480913 (cited by Labcorp Genetics (formerly Invitae), Labcorp); PubMed 25795793 (cited by Labcorp Genetics (formerly Invitae), Labcorp); PubMed 29469822 (cited by Labcorp Genetics (formerly Invitae), Labcorp); PubMed 30368668 (cited by Labcorp Genetics (formerly Invitae), Labcorp); PubMed 30442762 (cited by Labcorp Genetics (formerly Invitae), Labcorp); PubMed 30442766 (cited by Labcorp Genetics (formerly Invitae), Labcorp); PubMed 30481304 (cited by Labcorp Genetics (formerly Invitae), Labcorp); PubMed 30859559 (cited by Labcorp Genetics (formerly Invitae), Labcorp).

NM_006767.4(LZTR1):c.2070-1G>C

Gene: LZTR1 (leucine zipper like post translational regulator 1; plus strand). Cytogenetic location: 22q11.21.
Variant type: single nucleotide variant.
Coding change: c.2070-1G>C on transcript NM_006767.4 (MANE Select); the canonical splice acceptor site of the intron before coding-DNA position 2070, G replaced by C.
Molecular consequence: splice acceptor variant.
Genome position (GRCh38, 1-based): chr22:20,995,962, G>C. VCF-style: chr22-20995962-G-C. GRCh37 (hg19) VCF-style: chr22-21350251-G-C.
Identifiers: ClinVar variation 3666540 (VCV003666540.3).